The following is an entry in ClinVar:

NM_000439.5(PCSK1):c.2069G>C (p.Ser690Thr)

Genes: PCSK1 (proprotein convertase subtilisin/kexin type 1; minus strand), CAST (calpastatin; plus strand), LOC101929710 (uncharacterized LOC101929710; plus strand). Cytogenetic location: 5q15.
Variant type: single nucleotide variant.
Coding change: c.2069G>C on transcript NM_000439.5 (MANE Select); coding-DNA position 2069, G replaced by C.
Protein change: p.Ser690Thr; replaces serine 690 with threonine.
Molecular consequence: missense variant.
Genome position (GRCh38, 1-based): chr5:96,393,194, C>G on the plus strand (G>C on the coding strand, the complement: PCSK1 is on the minus strand). VCF-style: chr5-96393194-C-G. GRCh37 (hg19) VCF-style: chr5-95728898-C-G.
Other names: c.1928G>C, p.Ser643Thr (NM_001177875.2); short protein forms S690T, S643T.
Identifiers: ClinVar variation 354639 (VCV000354639.24), dbSNP rs6235, ClinGen allele CA3350059.

ClinVar aggregate classification (germline): Benign/Likely benign. Review status: criteria provided, multiple submitters, no conflicts (2 of 4 stars). 10 submissions from 10 submitters: Benign (7); Likely benign (1). 2 of the submissions do not count toward it. Last evaluated 2026-02-04.

Conditions:
Obesity due to prohormone convertase I deficiency. Also called: OBESITY AND ENDOCRINOPATHY DUE TO IMPAIRED PROCESSING OF PROHORMONES. Identifiers: Orphanet 71528, MedGen C1833053, MONDO:0010961, OMIM 600955.
Early onset severe obesity. Identifiers: MedGen C4013980.

Allele frequency attached by ClinVar (database versions not stated): TOPMed 0.22688; gnomAD 0.22796 and 0.23251; ESP Exome Variant Server 0.23766; 1000 Genomes Project 0.24381; 1000 Genomes Project 30x 0.24469; gnomAD exomes 0.26260 and 0.26643; ExAC 0.26526.
gnomAD v4.1: 424,550 of 1,613,804 alleles (26%); highest among the groups gnomAD compares: South Asian, 30%; 57,039 homozygotes.

Submissions (10):

Labcorp Genetics (formerly Invitae), Labcorp
Classification: Benign. Last evaluated: 2026-02-04. Review status: criteria provided, single submitter. Criteria: Invitae Variant Classification Sherloc (09022015). Collection method: clinical testing. Allele origin: germline.

Cambridge Genomics Laboratory, East Genomic Laboratory Hub, NHS Genomic Medicine Service
Classification: Benign for Severe early-onset obesity. Last evaluated: 2025-02-25. Review status: criteria provided, single submitter. Criteria: ACGS Best Practice Guidelines for Variant Classification in Rare Disease 2020. Collection method: clinical testing. Allele origin: germline. Affected: yes.

Blueprint Genetics
Classification: Benign. Last evaluated: 2024-11-26. Review status: criteria provided, single submitter. Criteria: ACMG Guidelines, 2015. Collection method: clinical testing. Allele origin: germline.

Mayo Clinic Laboratories, Mayo Clinic
Classification: Benign. Last evaluated: 2023-08-21. Review status: criteria provided, single submitter. Criteria: ACMG Guidelines, 2015. Collection method: clinical testing. Allele origin: germline. Observed: 44 variant alleles.
Comment: BA1, BP4

GeneDx
Classification: Benign. Last evaluated: 2021-05-26. Review status: criteria provided, single submitter. Criteria: GeneDx Variant Classification Process June 2021. Collection method: clinical testing. Allele origin: germline. Affected: yes.
Comment: This variant is associated with the following publications: (PMID: 24932808, 25625282, 24140494)

Illumina Laboratory Services, Illumina
Classification: Benign for Obesity due to prohormone convertase I deficiency. Last evaluated: 2018-01-12. Review status: criteria provided, single submitter. Criteria: ICSL Variant Classification Criteria 13 December 2019. Collection method: clinical testing. Allele origin: germline.
Comment: This variant was observed in the ICSL laboratory as part of a predisposition screen in an ostensibly healthy population. It had not been previously curated by ICSL or reported in the Human Gene Mutation Database (HGMD: prior to June 1st, 2018), and was therefore a candidate for classification through an automated scoring system. Utilizing variant allele frequency, disease prevalence and penetrance estimates, and inheritance mode, an automated score was calculated to assess if this variant is too frequent to cause the disease. Based on the score and internal cut-off values, a variant classified as benign is not then subjected to further curation. The score for this variant resulted in a classification of benign for this disease.

Eurofins Ntd Llc (ga)
Classification: Benign. Last evaluated: 2017-12-19. Review status: criteria provided, single submitter. Criteria: EGL Classification Definitions 2015. Collection method: clinical testing. Allele origin: germline. Observed: 1 variant allele, 1 heterozygote.

Breakthrough Genomics
Classification: Likely benign. Review status: criteria provided, single submitter. Criteria: ACMG Guidelines, 2015. Collection method: not provided. Allele origin: germline. Inheritance: Autosomal recessive inheritance. Affected: yes.

Clinical Genetics, Academic Medical Center
Classification: Benign. Review status: no assertion criteria provided. Collection method: clinical testing. Allele origin: germline. Affected: yes. Study: VKGL Data-share Consensus. Not counted in ClinVar's aggregate classification.

Genome Diagnostics Laboratory, University Medical Center Utrecht
Classification: Benign. Review status: no assertion criteria provided. Collection method: clinical testing. Allele origin: germline. Affected: yes. Study: VKGL Data-share Consensus. Not counted in ClinVar's aggregate classification.

Literature cited by the submitters: PubMed 24932808 (cited by Mayo Clinic Laboratories, Mayo Clinic).